The following is an entry in ClinVar:

NM_016580.4(PCDH12):c.348G>T (p.Leu116Phe)

Genes: PCDH12 (protocadherin 12; minus strand), RNF14 (ring finger protein 14; plus strand). Cytogenetic location: 5q31.3.
Variant type: single nucleotide variant.
Coding change: c.348G>T on transcript NM_016580.4 (MANE Select); coding-DNA position 348, G replaced by T.
Protein change: p.Leu116Phe; replaces leucine 116 with phenylalanine.
Molecular consequence: missense variant.
Genome position (GRCh38, 1-based): chr5:141,957,504, C>A on the plus strand (G>T on the coding strand, the complement: PCDH12 is on the minus strand). VCF-style: chr5-141957504-C-A. GRCh37 (hg19) VCF-style: chr5-141337069-C-A.
Other names: c.348G>T (NM_016580.2); short protein forms L116F.
Identifiers: ClinVar variation 2096310 (VCV002096310.5), dbSNP rs943521273, ClinGen allele CA128481399.
Genomic context (GRCh38, chr5:141,957,504, plus strand): 5'-GGGAAACCGTGGCTGGTGGTCATTGATGTCCAGCACTTGGATCTCCACATGGATCAGAGC[C>A]AAATCCCCTGTGGCAAGCACATCAAAGGAAACCAGGCAGGGATCCCACTGTCGGCACAGC-3'
Protein context (NP_057664.1, residues 106-126): VSFDVLATGD[Leu116Phe]ALIHVEIQVL

ClinVar aggregate classification (germline): Uncertain significance. Review status: criteria provided, multiple submitters, no conflicts (2 of 4 stars). 2 submissions from 2 submitters: Uncertain significance (2). Last evaluated 2025-05-21.

Conditions:
Inborn genetic diseases. Identifiers: MedGen C0950123, MeSH D030342.

Submissions (2):

Ambry Genetics
Classification: Uncertain significance for Inborn genetic diseases. Last evaluated: 2025-05-21. Review status: criteria provided, single submitter. Criteria: Ambry Variant Classification Scheme 2023. Collection method: clinical testing. Allele origin: germline.

Labcorp Genetics (formerly Invitae), Labcorp
Classification: Uncertain significance. Last evaluated: 2022-02-28. Review status: criteria provided, single submitter. Criteria: Invitae Variant Classification Sherloc (09022015). Collection method: clinical testing. Allele origin: germline.
Comment: In summary, the available evidence is currently insufficient to determine the role of this variant in disease. Therefore, it has been classified as a Variant of Uncertain Significance. Advanced modeling of protein sequence and biophysical properties (such as structural, functional, and spatial information, amino acid conservation, physicochemical variation, residue mobility, and thermodynamic stability) performed at Invitae indicates that this missense variant is not expected to disrupt PCDH12 protein function. This variant has not been reported in the literature in individuals affected with PCDH12-related conditions. This variant is not present in population databases (gnomAD no frequency). This sequence change replaces leucine, which is neutral and non-polar, with phenylalanine, which is neutral and non-polar, at codon 116 of the PCDH12 protein (p.Leu116Phe).